The following is an entry in ClinVar:

NM_007294.4(BRCA1):c.4352A>G (p.Glu1451Gly)

Gene: BRCA1 (BRCA1 DNA repair associated; minus strand). Cytogenetic location: 17q21.31.
Variant type: single nucleotide variant.
Coding change: c.4352A>G on transcript NM_007294.4 (MANE Select); coding-DNA position 4352, A replaced by G.
Protein change: p.Glu1451Gly; replaces glutamic acid 1451 with glycine.
Molecular consequence: missense variant. On other transcripts: non-coding transcript variant (1).
Genome position (GRCh38, 1-based): chr17:43,082,409, T>C on the plus strand (A>G on the coding strand, the complement: BRCA1 is on the minus strand). VCF-style: chr17-43082409-T-C. GRCh37 (hg19) VCF-style: chr17-41234426-T-C.
Other names: c.4346A>G, p.Glu1449Gly (NM_001407644.1, NM_001407645.1, NM_001407627.1 and 5 more transcripts); c.4340A>G, p.Glu1447Gly (NM_001407646.1, NM_001407647.1); c.4229A>G, p.Glu1410Gly (NM_001407648.1, NM_001407664.1, NM_001407665.1 and 13 more transcripts); c.4226A>G, p.Glu1409Gly (NM_001407649.1, NM_001407670.1, NM_001407671.1 and 12 more transcripts); c.4352A>G, p.Glu1451Gly (NM_001407652.1, NM_001407684.1, NM_001407854.1 and 23 more transcripts); c.4271A>G, p.Glu1424Gly (NM_001407663.1, NM_001407656.1, NM_001407661.1 and 1 more transcripts); c.4223A>G, p.Glu1408Gly (NM_001407685.1, NM_001407686.1, NM_001407687.1 and 2 more transcripts); c.4211A>G, p.Glu1404Gly (NM_001407727.1, NM_001407728.1, NM_001407729.1 and 23 more transcripts); and 51 more; short protein forms E1451G, E1404G, E348G, E1339G, E1402G, E1450G, E180G, E238G.
Identifiers: ClinVar variation 480987 (VCV000480987.22), dbSNP rs949793708, ClinGen allele CA10593019.

ClinVar aggregate classification (germline): Conflicting classifications of pathogenicity. Review status: criteria provided, conflicting classifications (1 of 4 stars). 5 submissions from 5 submitters: Uncertain significance (4); Likely benign (1). Last evaluated 2026-06-05.

Conditions:
Hereditary breast ovarian cancer syndrome. Also called: Breast and ovarian cancer; Hereditary breast and/or ovarian cancer syndrome; BRCA1- and BRCA2-Associated Hereditary Breast and Ovarian Cancer; Hereditary breast and ovarian cancer syndrome; Hereditary breast and ovarian cancer syndrome (HBOC); Hereditary breast and ovarian cancer. Identifiers: Orphanet 145, MedGen C0677776, MeSH D061325, MONDO:0003582. Disease mechanism: loss of function.
Breast-ovarian cancer, familial, susceptibility to, 1 (BROVCA1). Also called: BRCA1 Hereditary Breast and Ovarian Cancer; OVARIAN CANCER, SUSCEPTIBILITY TO. Identifiers: Orphanet 145, MedGen C2676676, MONDO:0011450, OMIM 604370. Disease mechanism: loss of function.
Hereditary cancer-predisposing syndrome. Also called: Tumor predisposition; Hereditary Cancer Syndrome; Hereditary neoplastic syndrome; Neoplastic Syndromes, Hereditary. Identifiers: Orphanet 140162, MedGen C0027672, MeSH D009386, MONDO:0015356.

Allele frequency attached by ClinVar (database versions not stated): gnomAD exomes 0.00001.
gnomAD v4.1: 11 of 1,613,770 alleles (0.00068%); highest among the groups gnomAD compares: Non-Finnish European, 0.00093%; no homozygotes.

Submissions (5):

Women's Health and Genetics/Laboratory Corporation of America, LabCorp
Classification: Uncertain significance. Last evaluated: 2026-06-05. Review status: criteria provided, single submitter. Criteria: LabCorp Variant Classification Summary - May 2015. Collection method: clinical testing. Allele origin: germline.
Comment: Variant summary: BRCA1 c.4352A>G (p.Glu1451Gly) results in a non-conservative amino acid change in the encoded protein sequence. Algorithms developed to predict the effect of missense changes on protein structure and function are either unavailable or do not agree on the potential impact of this missense change. The variant was absent in 251220 control chromosomes. The available data on variant occurrences in the general population are insufficient to allow any conclusion about variant significance. c.4352A>G has been observed in individual(s) affected with BRCA1-related conditions (Ring_2016). These report(s) do not provide unequivocal conclusions about association of the variant with disease. To our knowledge, no experimental evidence demonstrating an impact on protein function has been reported. The following publication has been ascertained in the context of this evaluation (PMID: 27443514). ClinVar contains an entry for this variant (Variation ID: 480987). Based on the evidence outlined above, the variant was classified as uncertain significance.

Color Diagnostics, LLC DBA Color Health
Classification: Uncertain significance for Hereditary cancer-predisposing syndrome. Last evaluated: 2025-03-04. Review status: criteria provided, single submitter. Criteria: ACMG Guidelines, 2015. Collection method: clinical testing. Allele origin: germline.
Comment: This missense variant replaces glutamic acid with glycine at codon 1451 of the BRCA1 protein. Computational prediction suggests that this variant may not impact protein structure and function. To our knowledge, functional studies have not been reported for this variant. 1/60466 cases, 0/53461 unaffected controls; p-value=1; Leiden Open Variation Database DB-ID BRCA1_005941. This variant has not been identified in the general population by the Genome Aggregation Database (gnomAD). The available evidence is insufficient to determine the role of this variant in disease conclusively. Therefore, this variant is classified as a Variant of Uncertain Significance.

Labcorp Genetics (formerly Invitae), Labcorp
Classification: Uncertain significance for Hereditary breast ovarian cancer syndrome. Last evaluated: 2022-11-03. Review status: criteria provided, single submitter. Criteria: Invitae Variant Classification Sherloc (09022015). Collection method: clinical testing. Allele origin: germline.
Comment: In summary, the available evidence is currently insufficient to determine the role of this variant in disease. Therefore, it has been classified as a Variant of Uncertain Significance. Advanced modeling of protein sequence and biophysical properties (such as structural, functional, and spatial information, amino acid conservation, physicochemical variation, residue mobility, and thermodynamic stability) performed at Invitae indicates that this missense variant is not expected to disrupt BRCA1 protein function. ClinVar contains an entry for this variant (Variation ID: 480987). This variant has not been reported in the literature in individuals affected with BRCA1-related conditions. This variant is not present in population databases (gnomAD no frequency). This sequence change replaces glutamic acid, which is acidic and polar, with glycine, which is neutral and non-polar, at codon 1451 of the BRCA1 protein (p.Glu1451Gly).

Illumina Laboratory Services, Illumina
Classification: Uncertain significance for Breast-ovarian cancer, familial, susceptibility to, 1. Last evaluated: 2018-01-13. Review status: criteria provided, single submitter. Criteria: ICSL Variant Classification Criteria 13 December 2019. Collection method: clinical testing. Allele origin: germline.

Ambry Genetics
Classification: Likely benign for Hereditary cancer-predisposing syndrome. Last evaluated: 2017-01-13. Review status: criteria provided, single submitter. Criteria: Ambry Variant Classification Scheme 2023. Collection method: clinical testing. Allele origin: germline.

Literature cited by the submitters: PubMed 27443514 (cited by Women's Health and Genetics/Laboratory Corporation of America, LabCorp).